The following is an entry in ClinVar:

ClinVar aggregate classification (germline): Uncertain significance (1 of 4 stars; one submission).

Allele frequency attached by ClinVar (database versions not stated): TOPMed 0.00001.
gnomAD v4.1: 5 of 1,614,134 alleles (0.00031%); highest among the groups gnomAD compares: South Asian, 0.0022%; no homozygotes.

Submission:

Labcorp Genetics (formerly Invitae), Labcorp
Classification: Uncertain significance. Last evaluated: 2022-03-26. Review status: criteria provided, single submitter. Criteria: Invitae Variant Classification Sherloc (09022015). Collection method: clinical testing. Allele origin: germline.
Comment: This sequence change replaces arginine, which is basic and polar, with histidine, which is basic and polar, at codon 176 of the PPOX protein (p.Arg176His). In summary, the available evidence is currently insufficient to determine the role of this variant in disease. Therefore, it has been classified as a Variant of Uncertain Significance. Algorithms developed to predict the effect of missense changes on protein structure and function are either unavailable or do not agree on the potential impact of this missense change (SIFT: "Deleterious"; PolyPhen-2: "Benign"; Align-GVGD: "Class C0"). This variant has not been reported in the literature in individuals affected with PPOX-related conditions. This variant is present in population databases (no rsID available, gnomAD 0.003%).

NM_001122764.3(PPOX):c.527G>A (p.Arg176His)

Gene: PPOX (protoporphyrinogen oxidase; plus strand). Cytogenetic location: 1q23.3.
Variant type: single nucleotide variant.
Coding change: c.527G>A on transcript NM_001122764.3 (MANE Select); coding-DNA position 527, G replaced by A.
Protein change: p.Arg176His; replaces arginine 176 with histidine.
Molecular consequence: missense variant.
Genome position (GRCh38, 1-based): chr1:161,168,487, G>A. VCF-style: chr1-161168487-G-A. GRCh37 (hg19) VCF-style: chr1-161138277-G-A.
Other names: c.527G>A, p.Arg176His (NM_000309.5, NM_001365398.1, NM_001365399.1); c.428G>A, p.Arg143His (NM_001350128.2); c.119G>A, p.Arg40His (NM_001350129.2, NM_001365400.1); c.41G>A, p.Arg14His (NM_001350130.2, NM_001350131.2, NM_001365401.1); short protein forms R143H, R176H, R14H, R40H.
Identifiers: ClinVar variation 1979352 (VCV001979352.4), dbSNP rs1225937420, ClinGen allele CA343353847.